The following is an entry in ClinVar:

ClinVar aggregate classification (germline): Uncertain significance (1 of 4 stars; one submission).

Allele frequency attached by ClinVar (database versions not stated): gnomAD exomes below 0.00001.
gnomAD v4.1: 3 of 1,610,958 alleles (0.00019%); highest among the groups gnomAD compares: African/African-American, 0.0013%; no homozygotes.

Submission:

Labcorp Genetics (formerly Invitae), Labcorp
Classification: Uncertain significance. Last evaluated: 2024-10-16. Review status: criteria provided, single submitter. Criteria: Invitae Variant Classification Sherloc (09022015). Collection method: clinical testing. Allele origin: germline.
Comment: This sequence change falls in intron 28 of the HERC1 gene. It does not directly change the encoded amino acid sequence of the HERC1 protein. It affects a nucleotide within the consensus splice site. This variant is not present in population databases (gnomAD no frequency). This variant has not been reported in the literature in individuals affected with HERC1-related conditions. ClinVar contains an entry for this variant (Variation ID: 1921512). Variants that disrupt the consensus splice site are a relatively common cause of aberrant splicing (PMID: 17576681, 9536098). Algorithms developed to predict the effect of sequence changes on RNA splicing suggest that this variant is not likely to affect RNA splicing. In summary, the available evidence is currently insufficient to determine the role of this variant in disease. Therefore, it has been classified as a Variant of Uncertain Significance.

Literature cited by the submitters: PubMed 17576681; PubMed 9536098.

NM_003922.4(HERC1):c.5243-3T>C

Gene: HERC1 (HECT and RLD domain containing E3 ubiquitin protein ligase family member 1; minus strand). Cytogenetic location: 15q22.31.
Variant type: single nucleotide variant.
Coding change: c.5243-3T>C on transcript NM_003922.4 (MANE Select); 3 bases into the intron before coding-DNA position 5243, T replaced by C.
Molecular consequence: intron variant.
Genome position (GRCh38, 1-based): chr15:63,694,552, A>G on the plus strand (T>C on the coding strand, the complement: HERC1 is on the minus strand). VCF-style: chr15-63694552-A-G. GRCh37 (hg19) VCF-style: chr15-63986751-A-G.
Identifiers: ClinVar variation 1921512 (VCV001921512.5), dbSNP rs2072293635, ClinGen allele CA2182787127.